The following is an entry in ClinVar:

ClinVar aggregate classification (germline): Uncertain significance. Review status: criteria provided, multiple submitters, no conflicts (2 of 4 stars). 2 submissions from 2 submitters: Uncertain significance (2). Last evaluated 2023-05-19.

Conditions:
Adams-Oliver syndrome 5 (AOS5). Identifiers: Orphanet 974, MedGen C4014970, MONDO:0014459, OMIM 616028.
Familial thoracic aortic aneurysm and aortic dissection (TAAD). Also called: Thoracic aortic aneurysms and dissections. Identifiers: Orphanet 91387, MedGen C4707243, MONDO:0019625.

Allele frequency attached by ClinVar (database versions not stated): gnomAD exomes below 0.00001.
gnomAD v4.1: 3 of 1,612,976 alleles (0.00019%); highest among the groups gnomAD compares: Non-Finnish European, 0.00025%; no homozygotes.

Submissions (2):

Labcorp Genetics (formerly Invitae), Labcorp
Classification: Uncertain significance for Adams-Oliver syndrome 5. Last evaluated: 2023-05-19. Review status: criteria provided, single submitter. Criteria: Invitae Variant Classification Sherloc (09022015). Collection method: clinical testing. Allele origin: germline.
Comment: This sequence change replaces threonine, which is neutral and polar, with isoleucine, which is neutral and non-polar, at codon 2302 of the NOTCH1 protein (p.Thr2302Ile). This variant is not present in population databases (gnomAD no frequency). This variant has not been reported in the literature in individuals affected with NOTCH1-related conditions. ClinVar contains an entry for this variant (Variation ID: 1756085). Advanced modeling of protein sequence and biophysical properties (such as structural, functional, and spatial information, amino acid conservation, physicochemical variation, residue mobility, and thermodynamic stability) performed at Invitae indicates that this missense variant is not expected to disrupt NOTCH1 protein function. In summary, the available evidence is currently insufficient to determine the role of this variant in disease. Therefore, it has been classified as a Variant of Uncertain Significance.

Ambry Genetics
Classification: Uncertain significance for Familial thoracic aortic aneurysm and aortic dissection. Last evaluated: 2021-11-04. Review status: criteria provided, single submitter. Criteria: Ambry Variant Classification Scheme 2023. Collection method: clinical testing. Allele origin: germline.
Comment: The p.T2302I variant (also known as c.6905C>T), located in coding exon 34 of the NOTCH1 gene, results from a C to T substitution at nucleotide position 6905. The threonine at codon 2302 is replaced by isoleucine, an amino acid with similar properties. This amino acid position is conserved. In addition, this alteration is predicted to be tolerated by in silico analysis. Since supporting evidence is limited at this time, the clinical significance of this alteration remains unclear.

NM_017617.5(NOTCH1):c.6905C>T (p.Thr2302Ile)

Gene: NOTCH1 (notch receptor 1; minus strand). Cytogenetic location: 9q34.3.
Variant type: single nucleotide variant.
Coding change: c.6905C>T on transcript NM_017617.5 (MANE Select); coding-DNA position 6905, C replaced by T.
Protein change: p.Thr2302Ile; replaces threonine 2302 with isoleucine.
Molecular consequence: missense variant.
Genome position (GRCh38, 1-based): chr9:136,496,834, G>A on the plus strand (C>T on the coding strand, the complement: NOTCH1 is on the minus strand). VCF-style: chr9-136496834-G-A. GRCh37 (hg19) VCF-style: chr9-139391286-G-A.
Other names: short protein forms T2302I.
Identifiers: ClinVar variation 1756085 (VCV001756085.5), dbSNP rs2133316844, ClinGen allele CA375629891.